The following is an entry in ClinVar:

NM_000540.3(RYR1):c.11591-7G>A

Gene: RYR1 (ryanodine receptor 1; plus strand). Cytogenetic location: 19q13.2.
Variant type: single nucleotide variant.
Coding change: c.11591-7G>A on transcript NM_000540.3 (MANE Select); 7 bases into the intron before coding-DNA position 11591, G replaced by A.
Molecular consequence: intron variant.
Genome position (GRCh38, 1-based): chr19:38,536,743, G>A. VCF-style: chr19-38536743-G-A. GRCh37 (hg19) VCF-style: chr19-39027383-G-A.
Other names: c.11576-7G>A (NM_001042723.2).
Identifiers: ClinVar variation 3015491 (VCV003015491.4), dbSNP rs1398522890, ClinGen allele CA882057943.

ClinVar aggregate classification (germline): Likely benign. Review status: criteria provided, multiple submitters, no conflicts (2 of 4 stars). 2 submissions from 2 submitters: Likely benign (2). Last evaluated 2023-11-02.

Conditions:
Malignant hyperthermia, susceptibility to, 1 (MHS1). Also called: Anesthesia related hyperthermia; Malignant hyperpyrexia; Fulminating hyperpyrexia; Pharmacogenic myopathy; RYR1-Related Malignant Hyperthermia Susceptibility; Malignant hyperthermia suceptibility 1. Identifiers: Orphanet 423, MedGen C2930980, MONDO:0007783, OMIM 145600.
RYR1-related disorder. Also called: RYR1-related condition; RYR1-related disorders. Identifiers: MedGen CN239331.

Submissions (2):

All of Us Research Program, National Institutes of Health
Classification: Likely benign for Malignant hyperthermia, susceptibility to, 1. Last evaluated: 2023-11-02. Review status: criteria provided, single submitter. Criteria: ACMG Guidelines, 2015. Collection method: clinical testing. Allele origin: germline. Inheritance: Autosomal dominant inheritance. Observed: 1 variant allele, 1 heterozygote.
Comment: This study involves interpretation of variants in research participants for the purpose of population health screening. Participant phenotype was not available at the time of variant classification. Additional details can be found in publication PMID: 35346344, PMCID: PMC8962531

Labcorp Genetics (formerly Invitae), Labcorp
Classification: Likely benign for RYR1-related disorder. Last evaluated: 2023-06-17. Review status: criteria provided, single submitter. Criteria: Invitae Variant Classification Sherloc (09022015). Collection method: clinical testing. Allele origin: germline.